The following is an entry in ClinVar:

ClinVar aggregate classification (germline): Pathogenic. Review status: criteria provided, single submitter (1 of 4 stars). 2 submissions from 2 submitters: Pathogenic (1). 1 of the submissions does not count toward it.

Conditions:
Oocyte maturation defect 14 (OZEMA14). Also called: OOCYTE/ZYGOTE/EMBRYO MATURATION ARREST 14. Identifiers: MedGen C5830326, MONDO:0859521, OMIM 620276.

Submissions (2):

Juno Genomics, Hangzhou Juno Genomics, Inc
Classification: Pathogenic for Oocyte maturation defect 14. Review status: criteria provided, single submitter. Criteria: ACMG Guidelines, 2015. Collection method: clinical testing. Allele origin: germline.
Comment: Absent from controls (or at extremely low frequency if recessive) in Genome Aggregation Database.;Null variant in a gene where loss of function (LOF) is a known mechanism of disease.;For recessive disorders, detected in trans with a pathogenic variant.

OMIM
Classification: Pathogenic for OOCYTE/ZYGOTE/EMBRYO MATURATION ARREST 14. Last evaluated: 2023-04-10. Review status: no assertion criteria provided. Collection method: literature only. Allele origin: germline. Not counted in ClinVar's aggregate classification.

Literature cited by the submitters: PubMed 32666501 (cited by OMIM).

NM_001255.3(CDC20):c.1176_1179del (p.Ala391_Cys392insTer)

Gene: CDC20 (cell division cycle 20; plus strand). Cytogenetic location: 1p34.2.
Variant type: Deletion.
Coding change: c.1176_1179del on transcript NM_001255.3 (MANE Select); coding-DNA positions 1176 to 1179, 4 bases deleted (TCTG; older notation c.1176_1179delTCTG).
Protein change: p.Ala391_Cys392insTer.
Molecular consequence: nonsense.
Genome position (GRCh38, 1-based): chr1:43,361,218-43,361,221, TCTG deleted; deleting any 4 consecutive bases within chr1:43,361,215-43,361,221 gives the same sequence; the c. name uses the placement nearest the transcript's 3' end. VCF-style (leftmost placement, unchanged base first): chr1-43361214-CCTGT-C. GRCh37 (hg19) VCF-style: chr1-43826885-CCTGT-C.
Identifiers: ClinVar variation 2443920 (VCV002443920.4), dbSNP rs766199335, ClinGen allele CA807380.